The following is an entry in ClinVar:

NM_020778.5(ALPK3):c.3772C>T (p.Gln1258Ter)

Gene: ALPK3 (alpha kinase 3; plus strand). Cytogenetic location: 15q25.3.
Variant type: single nucleotide variant.
Coding change: c.3772C>T on transcript NM_020778.5 (MANE Select); coding-DNA position 3772, C replaced by T.
Protein change: p.Gln1258Ter; replaces glutamine 1258 with a stop codon.
Molecular consequence: nonsense.
Genome position (GRCh38, 1-based): chr15:84,858,510, C>T. VCF-style: chr15-84858510-C-T. GRCh37 (hg19) VCF-style: chr15-85401741-C-T.
Other names: short protein forms Q1258*.
Identifiers: ClinVar variation 2563940 (VCV002563940.4), dbSNP rs2505722871, ClinGen allele CA393360931.
Genomic context (GRCh38, chr15:84,858,510, plus strand): 5'-CTGGGCCCCAGCCCCAAGGCCGGCGGTCTGGACACAGAGGTGGCCCTGGATGAAGGCAAG[C>T]AGGAGACACTGGCCAAGCCCAGGAAAGCCAAAGACCTGCTGAAAGGTGAGCAGTGGGGAG-3'

ClinVar aggregate classification (germline): Pathogenic/Likely pathogenic. Review status: criteria provided, multiple submitters, no conflicts (2 of 4 stars). 3 submissions from 3 submitters: Pathogenic (2); Likely pathogenic (1). Last evaluated 2025-01-12.

Conditions:
Cardiomyopathy, familial hypertrophic 27. Identifiers: MedGen C4748014, MONDO:0054838, OMIM 618052.
Cardiovascular phenotype. Identifiers: MedGen CN230736.

Submissions (3):

Labcorp Genetics (formerly Invitae), Labcorp
Classification: Pathogenic. Last evaluated: 2025-01-12. Review status: criteria provided, single submitter. Criteria: Invitae Variant Classification Sherloc (09022015). Collection method: clinical testing. Allele origin: germline.
Comment: This sequence change creates a premature translational stop signal (p.Gln1460*) in the ALPK3 gene. It is expected to result in an absent or disrupted protein product. Loss-of-function variants in ALPK3 are known to be pathogenic (PMID: 21441111, 26846950, 27106955, 34263907). This variant is not present in population databases (gnomAD no frequency). This premature translational stop signal has been observed in individual(s) with hypertrophic cardiomyopathy (PMID: 34263907). This variant is also known as p.Gln1258*. ClinVar contains an entry for this variant (Variation ID: 2563940). For these reasons, this variant has been classified as Pathogenic.

Ambry Genetics
Classification: Pathogenic for Cardiovascular phenotype. Last evaluated: 2023-04-24. Review status: criteria provided, single submitter. Criteria: Ambry Variant Classification Scheme 2023. Collection method: clinical testing. Allele origin: germline.
Comment: The p.Q1460* pathogenic mutation (also known as c.4378C>T), located in coding exon 6 of the ALPK3 gene, results from a C to T substitution at nucleotide position 4378. This changes the amino acid from a glutamine to a stop codon within coding exon 6. This variant is considered to be rare based on population cohorts in the Genome Aggregation Database (gnomAD). This alteration is expected to result in loss of function by premature protein truncation or nonsense-mediated mRNA decay. As such, this alteration is interpreted as a disease-causing mutation.

Neuberg Centre For Genomic Medicine, NCGM
Classification: Likely pathogenic for Cardiomyopathy, familial hypertrophic 27. Last evaluated: 2023-02-14. Review status: criteria provided, single submitter. Criteria: ACMG Guidelines, 2015. Collection method: clinical testing. Allele origin: germline. Inheritance: Autosomal recessive inheritance. Affected: yes.

Literature cited by the submitters: PubMed 21441111 (cited by Labcorp Genetics (formerly Invitae), Labcorp); PubMed 26846950 (cited by Labcorp Genetics (formerly Invitae), Labcorp); PubMed 27106955 (cited by Labcorp Genetics (formerly Invitae), Labcorp); PubMed 34263907 (cited by Labcorp Genetics (formerly Invitae), Labcorp and Ambry Genetics).